The following is an entry in ClinVar:

ClinVar aggregate classification (germline): Benign (1 of 4 stars; one submission).

Submission:

CeGaT Center for Human Genetics Tuebingen
Classification: Benign. Last evaluated: 2023-07-01. Review status: criteria provided, single submitter. Criteria: CeGaT Center For Human Genetics Tuebingen Variant Classification Criteria Version 2. Collection method: clinical testing. Allele origin: germline. Affected: yes. Observed: 1 variant allele.
Comment: PTPN11: BS1, BS2

NM_002834.5(PTPN11):c.1713-482dup

Gene: PTPN11 (protein tyrosine phosphatase non-receptor type 11; plus strand). Cytogenetic location: 12q24.13.
Variant type: Duplication.
Coding change: c.1713-482dup on transcript NM_002834.5 (MANE Select); 482 bases into the intron before coding-DNA position 1713, one base duplicated (T; older notation c.1713-482dupT).
Molecular consequence: intron variant.
Genome position (GRCh38, 1-based): chr12:112,504,213, T duplicated; the last of 7 consecutive T bases (chr12:112,504,207-112,504,213); duplicating any one gives the same sequence. VCF-style (leftmost placement, unchanged base first): chr12-112504206-G-GT. GRCh37 (hg19) VCF-style: chr12-112942010-G-GT.
Other names: c.1710-482dup (NM_001374625.1); c.1725-482dup (NM_001330437.2).
Identifiers: ClinVar variation 2643343 (VCV002643343.24), dbSNP rs201097872, ClinGen allele CA243724929.